The following is an entry in ClinVar:

NM_001367805.3(KIF23):c.333T>C (p.Tyr111=)

Gene: KIF23 (kinesin family member 23; plus strand). Cytogenetic location: 15q23.
Variant type: single nucleotide variant.
Coding change: c.333T>C on transcript NM_001367805.3 (MANE Select); coding-DNA position 333, T replaced by C.
Protein change: p.Tyr111=; no amino-acid change (tyrosine 111 retained).
Molecular consequence: synonymous variant. On other transcripts: non-coding transcript variant (2), intron variant (1).
Genome position (GRCh38, 1-based): chr15:69,422,008, T>C. VCF-style: chr15-69422008-T-C. GRCh37 (hg19) VCF-style: chr15-69714347-T-C.
Other names: p.Tyr111=; c.333T>C, p.Tyr111= (NM_001367804.2, NM_004856.7, NM_138555.4); c.123+256T>C (NM_001281301.2).
Identifiers: ClinVar variation 784326 (VCV000784326.13), dbSNP rs34969957, ClinGen allele CA7634884.

ClinVar aggregate classification (germline): Benign/Likely benign. Review status: criteria provided, multiple submitters, no conflicts (2 of 4 stars). 4 submissions from 4 submitters: Benign (2); Likely benign (1). 1 of the submissions does not count toward it. Last evaluated 2026-02-01.

Conditions:
KIF23-related disorder. Also called: KIF23-related condition.

Allele frequency attached by ClinVar (database versions not stated): gnomAD exomes 0.00195 and 0.00435; ExAC 0.00503; 1000 Genomes Project 0.01198; 1000 Genomes Project 30x 0.01202; ESP Exome Variant Server 0.01293; gnomAD 0.01308 and 0.01377; TOPMed 0.01504.
gnomAD v4.1: 4,993 of 1,614,042 alleles (0.31%); highest among the groups gnomAD compares: African/African-American, 4.3%; 74 homozygotes.

Submissions (4):

Labcorp Genetics (formerly Invitae), Labcorp
Classification: Benign. Last evaluated: 2026-02-01. Review status: criteria provided, single submitter. Criteria: Invitae Variant Classification Sherloc (09022015). Collection method: clinical testing. Allele origin: germline.

Mayo Clinic Laboratories, Mayo Clinic
Classification: Likely benign. Last evaluated: 2025-09-17. Review status: criteria provided, single submitter. Criteria: ACMG Guidelines, 2015. Collection method: clinical testing. Allele origin: germline. Observed: 40 variant alleles.
Comment: BS1, BP4, BP7

Breakthrough Genomics
Classification: Benign. Review status: criteria provided, single submitter. Criteria: ACMG Guidelines, 2015. Collection method: not provided. Allele origin: germline. Inheritance: Autosomal dominant inheritance. Affected: yes.

PreventionGenetics, part of Exact Sciences
Classification: Benign for KIF23-related condition. Last evaluated: 2020-02-14. Review status: no assertion criteria provided. Collection method: clinical testing. Allele origin: germline. Not counted in ClinVar's aggregate classification.
Comment: This variant is classified as benign based on ACMG/AMP sequence variant interpretation guidelines (Richards et al. 2015 PMID: 25741868, with internal and published modifications).